The following is an entry in ClinVar:

NM_017617.5(NOTCH1):c.2354-16G>C

Gene: NOTCH1 (notch receptor 1; minus strand). Cytogenetic location: 9q34.3.
Variant type: single nucleotide variant.
Coding change: c.2354-16G>C on transcript NM_017617.5 (MANE Select); 16 bases into the intron before coding-DNA position 2354, G replaced by C.
Molecular consequence: intron variant.
Genome position (GRCh38, 1-based): chr9:136,513,150, C>G on the plus strand (G>C on the coding strand, the complement: NOTCH1 is on the minus strand). VCF-style: chr9-136513150-C-G. GRCh37 (hg19) VCF-style: chr9-139407602-C-G.
Identifiers: ClinVar variation 2637587 (VCV002637587.1), dbSNP rs1843210355, ClinGen allele CA2695199442.

ClinVar aggregate classification (germline): Likely benign (1 of 4 stars; one submission).

Submission:

Women's Health and Genetics/Laboratory Corporation of America, LabCorp
Classification: Likely benign. Last evaluated: 2023-10-31. Review status: criteria provided, single submitter. Criteria: LabCorp Variant Classification Summary - May 2015. Collection method: clinical testing. Allele origin: germline.
Comment: Variant summary: NOTCH1 c.2354-16G>C alters a nucleotide located at a position not widely known to affect splicing. Consensus agreement among computation tools predict no significant impact on normal splicing. However, these predictions have yet to be confirmed by functional studies. The variant was absent in 248030 control chromosomes. The available data on variant occurrences in the general population are insufficient to allow any conclusion about variant significance. To our knowledge, no occurrence of c.2354-16G>C in individuals affected with Adams-Oliver Syndrome 5 and no experimental evidence demonstrating its impact on protein function have been reported. No submitters have cited clinical-significance assessments for this variant to ClinVar after 2014. Based on the evidence outlined above, the variant was classified as likely benign.